The following is an entry in ClinVar:

NM_000059.4(BRCA2):c.9257-3516G>A

Gene: BRCA2 (BRCA2 DNA repair associated; plus strand). Cytogenetic location: 13q13.1.
Variant type: single nucleotide variant.
Coding change: c.9257-3516G>A on transcript NM_000059.4 (MANE Select); 3516 bases into the intron before coding-DNA position 9257, G replaced by A.
Molecular consequence: intron variant.
Genome position (GRCh38, 1-based): chr13:32,391,173, G>A. VCF-style: chr13-32391173-G-A. GRCh37 (hg19) VCF-style: chr13-32965310-G-A.
Other names: IVS 24-3516G>A.
Identifiers: ClinVar variation 209893 (VCV000209893.1), dbSNP rs206340, ClinGen allele CA276861.

ClinVar aggregate classification (germline): Benign (3 of 4 stars; one submission).

Conditions:
Breast-ovarian cancer, familial, susceptibility to, 2 (BROVCA2). Also called: BRCA2 Hereditary Breast and Ovarian Cancer. Identifiers: Orphanet 145, MedGen C2675520, MONDO:0012933, OMIM 612555. Disease mechanism: loss of function.

Allele frequency attached by ClinVar (database versions not stated): gnomAD 0.21088 and 0.21165; TOPMed 0.21110; 1000 Genomes Project 0.22823; 1000 Genomes Project 30x 0.22923.
gnomAD v4.1: 32,240 of 152,046 alleles (21%); highest among the groups gnomAD compares: Middle Eastern, 26%; 3,480 homozygotes.

Submission:

Evidence-based Network for the Interpretation of Germline Mutant Alleles (ENIGMA)
Classification: Benign for Breast-ovarian cancer, familial 2. Last evaluated: 2015-01-12. Review status: reviewed by expert panel. Criteria: ENIGMA BRCA1/2 Classification Criteria (2015). Collection method: curation. Allele origin: germline.
Comment: Class 1 not pathogenic based on frequency >1% in an outbred sampleset. Frequency 0.2587 (Asian), 0.2195 (African), 0.2137 (European), derived from 1000 genomes (2012-04-30).